The following is an entry in ClinVar:

ClinVar aggregate classification (germline): Pathogenic (1 of 4 stars; one submission).

Submission:

Labcorp Genetics (formerly Invitae), Labcorp
Classification: Pathogenic. Last evaluated: 2022-11-14. Review status: criteria provided, single submitter. Criteria: Invitae Variant Classification Sherloc (09022015). Collection method: clinical testing. Allele origin: germline.
Comment: This sequence change creates a premature translational stop signal (p.Arg892Glufs*9) in the ABCA4 gene. It is expected to result in an absent or disrupted protein product. Loss-of-function variants in ABCA4 are known to be pathogenic (PMID: 10958761, 24938718, 25312043, 26780318). This variant is not present in population databases (gnomAD no frequency). This variant has not been reported in the literature in individuals affected with ABCA4-related conditions. For these reasons, this variant has been classified as Pathogenic.

Literature cited by the submitters: PubMed 10958761; PubMed 24938718; PubMed 25312043; PubMed 26780318.

NM_000350.3(ABCA4):c.2674del (p.Arg892fs)

Gene: ABCA4 (ATP binding cassette subfamily A member 4; minus strand). Cytogenetic location: 1p22.1.
Variant type: Deletion.
Coding change: c.2674del on transcript NM_000350.3 (MANE Select); coding-DNA position 2674, one base deleted (A; older notation c.2674delA).
Protein change: p.Arg892fs; shifts the reading frame from arginine 892.
Molecular consequence: frameshift variant.
Genome position (GRCh38, 1-based): chr1:94,048,937, T deleted on the plus strand (A on the coding strand, the reverse complement: ABCA4 is on the minus strand); the first of 3 consecutive T bases (chr1:94,048,937-94,048,939); deleting any one gives the same sequence. VCF-style (leftmost placement, unchanged base first): chr1-94048936-CT-C. GRCh37 (hg19) VCF-style: chr1-94514492-CT-C.
Other names: c.2450delA, p.Arg818Glufs (NM_001425324.1); short protein forms R892fs.
Identifiers: ClinVar variation 2814203 (VCV002814203.3), dbSNP rs2523797636, ClinGen allele CA2739272679.